The following is an entry in ClinVar:

ClinVar aggregate classification (germline): Uncertain significance. Review status: criteria provided, multiple submitters, no conflicts (2 of 4 stars). 2 submissions from 2 submitters: Uncertain significance (2). Last evaluated 2022-11-08.

Conditions:
Bethlem myopathy 1A. Also called: Bethlem Muscular Dystrophy; MYOPATHY, BENIGN CONGENITAL, WITH CONTRACTURES; Bethlem myopathy 1. Identifiers: Orphanet 610, MedGen CN029274, MONDO:0024530, OMIM 158810.
Inborn genetic diseases. Identifiers: MedGen C0950123, MeSH D030342.

gnomAD v4.1: 4 of 1,614,200 alleles (0.00025%); highest among the groups gnomAD compares: East Asian, 0.0089%; no homozygotes.

Submissions (2):

Labcorp Genetics (formerly Invitae), Labcorp
Classification: Uncertain significance for Bethlem myopathy 1A. Last evaluated: 2022-11-08. Review status: criteria provided, single submitter. Criteria: Invitae Variant Classification Sherloc (09022015). Collection method: clinical testing. Allele origin: germline.
Comment: In summary, the available evidence is currently insufficient to determine the role of this variant in disease. Therefore, it has been classified as a Variant of Uncertain Significance. Advanced modeling of protein sequence and biophysical properties (such as structural, functional, and spatial information, amino acid conservation, physicochemical variation, residue mobility, and thermodynamic stability) performed at Invitae indicates that this missense variant is not expected to disrupt COL6A3 protein function. ClinVar contains an entry for this variant (Variation ID: 1035898). This variant has not been reported in the literature in individuals affected with COL6A3-related conditions. This variant is not present in population databases (gnomAD no frequency). This sequence change replaces threonine, which is neutral and polar, with lysine, which is basic and polar, at codon 732 of the COL6A3 protein (p.Thr732Lys).

Ambry Genetics
Classification: Uncertain significance for Inborn genetic diseases. Last evaluated: 2022-08-08. Review status: criteria provided, single submitter. Criteria: Ambry Variant Classification Scheme 2023. Collection method: clinical testing. Allele origin: germline.

NM_004369.4(COL6A3):c.2195C>A (p.Thr732Lys)

Gene: COL6A3 (collagen type VI alpha 3 chain; minus strand). Cytogenetic location: 2q37.3.
Variant type: single nucleotide variant.
Coding change: c.2195C>A on transcript NM_004369.4 (MANE Select); coding-DNA position 2195, C replaced by A.
Protein change: p.Thr732Lys; replaces threonine 732 with lysine.
Molecular consequence: missense variant. On other transcripts: intron variant (1).
Genome position (GRCh38, 1-based): chr2:237,378,938, G>T on the plus strand (C>A on the coding strand, the complement: COL6A3 is on the minus strand). VCF-style: chr2-237378938-G-T. GRCh37 (hg19) VCF-style: chr2-238287581-G-T.
Other names: c.974C>A, p.Thr325Lys (NM_057164.5); c.1577C>A, p.Thr526Lys (NM_057165.5, NM_057167.4); c.677-1594C>A (NM_057166.5); c.2195C>A (NM_004369.3); short protein forms T732K, T325K, T526K.
Identifiers: ClinVar variation 1035898 (VCV001035898.10), dbSNP rs370719148, ClinGen allele CA351213766.
Genomic context (GRCh38, chr2:237,378,938, plus strand): 5'-GCTGTGAGCAGAAGCAGGAGCTGCGGCACGTGTTCACGGATCCTGCTGCCGCCAGCTTCC[G>T]TGAAGTGGTTGGCATAGACATAGCTTAGGGCTGAGCCTGTGTTCAGGCCCGAACCTCCCT-3'
Protein context (NP_004360.2, residues 722-742): ALSYVYANHF[Thr732Lys]EAGGSRIREH